The following is an entry in ClinVar:

NM_001378.3(DYNC1I2):c.512-5_512-4dup

Gene: DYNC1I2 (dynein cytoplasmic 1 intermediate chain 2; plus strand). Cytogenetic location: 2q31.1.
Variant type: Duplication.
Coding change: c.512-5_512-4dup on transcript NM_001378.3 (MANE Select); 5 bases into the intron before coding-DNA position 512 through 4 bases into the intron before coding-DNA position 512, 2 bases duplicated (TT; older notation c.512-5_512-4dupTT).
Molecular consequence: intron variant.
Genome position (GRCh38, 1-based): chr2:171,725,613-171,725,614, TT duplicated; duplicating any 2 consecutive bases within chr2:171,725,599-171,725,614 gives the same sequence; the c. name uses the placement nearest the transcript's 3' end. VCF-style (leftmost placement, unchanged base first): chr2-171725598-G-GTT. GRCh37 (hg19) VCF-style: chr2-172582108-G-GTT.
Other names: c.488-5_488-4dup (NM_001271786.2, NM_001271787.2); c.494-5_494-4dup (NM_001320882.2, NM_001378455.1, NM_001320883.2 and 1 more transcripts); c.434-5_434-4dup (NM_001271788.2, NM_001271790.2, NM_001271789.2 and 1 more transcripts); c.512-5_512-4dup (NM_001271785.2).
Identifiers: ClinVar variation 3056366 (VCV003056366.2), dbSNP rs746910264, ClinGen allele CA1965613.

ClinVar aggregate classification (germline): Benign (0 of 4 stars; one submission).

Conditions:
DYNC1I2-related disorder. Also called: DYNC1I2-related condition.

Submission:

PreventionGenetics, part of Exact Sciences
Classification: Benign for DYNC1I2-related condition. Last evaluated: 2019-11-25. Review status: no assertion criteria provided. Collection method: clinical testing. Allele origin: germline.
Comment: This variant is classified as benign based on ACMG/AMP sequence variant interpretation guidelines (Richards et al. 2015 PMID: 25741868, with internal and published modifications).